The following is an entry in ClinVar:

NM_004380.3(CREBBP):c.2413G>A (p.Ala805Thr)

Gene: CREBBP (CREB binding lysine acetyltransferase; minus strand). Cytogenetic location: 16p13.3.
Variant type: single nucleotide variant.
Coding change: c.2413G>A on transcript NM_004380.3 (MANE Select); coding-DNA position 2413, G replaced by A.
Protein change: p.Ala805Thr; replaces alanine 805 with threonine.
Molecular consequence: missense variant.
Genome position (GRCh38, 1-based): chr16:3,773,801, C>T on the plus strand (G>A on the coding strand, the complement: CREBBP is on the minus strand). VCF-style: chr16-3773801-C-T. GRCh37 (hg19) VCF-style: chr16-3823802-C-T.
Other names: c.2299G>A, p.Ala767Thr (NM_001079846.1); short protein forms A767T, A805T.
Identifiers: ClinVar variation 1198336 (VCV001198336.12), dbSNP rs370128808, ClinGen allele CA7870143.
Genomic context (GRCh38, chr16:3,773,801, plus strand): 5'-GGCACAGTACCTGTGACACGCCTGTTTGGGCTGGCGGCTGCCCCATGCCCACACTCATCG[C>T]CCCGCTGGATGACGGGAACTGGTTCTGTGGCAGAAACTGGCTCTGAGCGGGCGCCTGGGC-3'
Protein context (NP_004371.2, residues 795-815): PQNQFPSSSG[Ala805Thr]MSVGMGQPPA

ClinVar aggregate classification (germline): Likely benign. Review status: criteria provided, multiple submitters, no conflicts (2 of 4 stars). 5 submissions from 5 submitters: Likely benign (5). Last evaluated 2025-05-22.

Conditions:
CREBBP-related disorder. Also called: CREBBP-related disorders; CREBBP-related condition.
Intellectual disability. Also called: Intellectual functioning disability; Intellectual developmental disorder; intellectual disabilities. Identifiers: MedGen C3714756, MeSH D008607, MONDO:0001071, HP:0001249.
Rubinstein-Taybi syndrome (RSTS). Identifiers: Orphanet 783, MedGen C0035934, MONDO:0019188.

Allele frequency attached by ClinVar (database versions not stated): gnomAD exomes 0.00001 and 0.00003; ExAC 0.00002; gnomAD 0.00003 and 0.00004; TOPMed 0.00005; ESP Exome Variant Server 0.00015.
gnomAD v4.1: 50 of 1,613,454 alleles (0.0031%); highest among the groups gnomAD compares: Middle Eastern, 0.018%; no homozygotes.

Submissions (5):

PreventionGenetics, part of Exact Sciences
Classification: Likely benign for CREBBP-related condition. Last evaluated: 2025-05-22. Review status: criteria provided, single submitter. Criteria: ACMG Guidelines, 2015. Collection method: clinical testing. Allele origin: germline.
Comment: This variant is classified as likely benign based on ACMG/AMP sequence variant interpretation guidelines (Richards et al. 2015 PMID: 25741868, with internal and published modifications).

Labcorp Genetics (formerly Invitae), Labcorp
Classification: Likely benign for Rubinstein-Taybi syndrome. Last evaluated: 2024-06-28. Review status: criteria provided, single submitter. Criteria: Invitae Variant Classification Sherloc (09022015). Collection method: clinical testing. Allele origin: germline.

Blueprint Genetics
Classification: Likely benign. Last evaluated: 2022-02-07. Review status: criteria provided, single submitter. Criteria: ACMG Guidelines, 2015. Collection method: clinical testing. Allele origin: germline.

GeneDx
Classification: Likely benign. Last evaluated: 2020-08-19. Review status: criteria provided, single submitter. Criteria: GeneDx Variant Classification Process June 2021. Collection method: clinical testing. Allele origin: germline. Affected: yes.

Cambridge Genomics Laboratory, East Genomic Laboratory Hub, NHS Genomic Medicine Service
Classification: Likely benign for Intellectual disability. Last evaluated: 2019-10-24. Review status: criteria provided, single submitter. Criteria: ACGS Best Practice Guidelines for Variant Classification in Rare Disease 2020. Collection method: clinical testing. Allele origin: germline. Affected: yes. Observed: 1 variant allele.